The following is an entry in ClinVar:

NM_001267550.2(TTN):c.39010C>G (p.Pro13004Ala)

Gene: TTN (titin; minus strand). Cytogenetic location: 2q31.2.
Variant type: single nucleotide variant.
Coding change: c.39010C>G on transcript NM_001267550.2 (MANE Select); coding-DNA position 39010, C replaced by G.
Protein change: p.Pro13004Ala; replaces proline 13004 with alanine.
Molecular consequence: missense variant. On other transcripts: intron variant (5).
Genome position (GRCh38, 1-based): chr2:178,652,686, G>C on the plus strand (C>G on the coding strand, the complement: TTN is on the minus strand). VCF-style: chr2-178652686-G-C. GRCh37 (hg19) VCF-style: chr2-179517413-G-C.
Other names: c.13283-10369C>G (NM_003319.4); c.13859-10369C>G (NM_133437.4); c.13658-10369C>G (NM_133432.3); c.31742-145C>G (NM_133378.4); c.34523-145C>G (NM_001256850.1); short protein forms P13004A.
Identifiers: ClinVar variation 2651651 (VCV002651651.24), dbSNP rs764827155, ClinGen allele CA349465014.
Genomic context (GRCh38, chr2:178,652,686, plus strand): 5'-CTGACGCTTAAACTCAATGACAAATACCTTTAACAGGTGGGACTTCAGGCTTTTTAGGAG[G>C]AGCCGAGGGCACTTTCTTTTCAGGAACAACCTCTTTGGGAGCCTCTGGTACTTAAAAGAT-3'
Protein context (NP_001254479.2, residues 12994-13014): VVPEKKVPSA[Pro13004Ala]PKKPEVPPVK

ClinVar aggregate classification (germline): Uncertain significance (1 of 4 stars; one submission).

gnomAD v4.1: 5 of 1,613,428 alleles (0.00031%); highest among the groups gnomAD compares: Non-Finnish European, 0.00042%; no homozygotes.

Submission:

CeGaT Center for Human Genetics Tuebingen
Classification: Uncertain significance. Last evaluated: 2022-04-01. Review status: criteria provided, single submitter. Criteria: CeGaT Center For Human Genetics Tuebingen Variant Classification Criteria Version 2. Collection method: clinical testing. Allele origin: germline. Affected: yes. Observed: 1 variant allele.
Comment: TTN: PM2, BP1